The following is an entry in ClinVar:

ClinVar aggregate classification (germline): Pathogenic (1 of 4 stars; one submission).

Conditions:
USH2A-related disorder. Also called: USH2A-related condition; USH2A-related disorders. Identifiers: MedGen CN239332.

Submission:

Myriad Genetics, Inc.
Classification: Pathogenic for USH2A-related disorder. Last evaluated: 2025-03-31. Review status: criteria provided, single submitter. Criteria: Myriad Autosomal Dominant, Autosomal Recessive and X-Linked Classification Criteria (2023). Collection method: clinical testing. Allele origin: unknown.
Comment: NM_206933.2(USH2A):c.9618_9727del110(C3206Wfs*6) is a frameshift variant classified as pathogenic in the context of USH2A-related disorders. C3206Wfs*6 has not been observed in cases with relevant disease. Relevant functional assessments of this variant are not available in the literature. C3206Wfs*6 has not been observed in referenced population frequency databases. In summary, NM_206933.2(USH2A):c.9618_9727del110(C3206Wfs*6) is a frameshift variant in a gene where loss of function is a known mechanism of disease and is predicted to disrupt protein function. Please note: this variant was assessed in the context of healthy population screening.

NM_206933.4(USH2A):c.9618_9727del (p.Cys3206fs)

Gene: USH2A (usherin; minus strand). Cytogenetic location: 1q41.
Variant type: Deletion.
Coding change: c.9618_9727del on transcript NM_206933.4 (MANE Select); coding-DNA positions 9618 to 9727, 110 bases deleted.
Protein change: p.Cys3206fs; shifts the reading frame from cysteine 3206.
Molecular consequence: frameshift variant.
Genome position (GRCh38, 1-based): chr1:215,813,748-215,813,857, 110 bases deleted. GRCh37 (hg19): chr1:215,987,090-215,987,199.
Other names: short protein forms C3206fs.
Identifiers: ClinVar variation 4081849 (VCV004081849.1).